The following is an entry in ClinVar:

NM_001540.5(HSPB1):c.94G>T (p.Ala32Ser)

Gene: HSPB1 (heat shock protein family B (small) member 1; plus strand). Cytogenetic location: 7q11.23.
Variant type: single nucleotide variant.
Coding change: c.94G>T on transcript NM_001540.5 (MANE Select); coding-DNA position 94, G replaced by T.
Protein change: p.Ala32Ser; replaces alanine 32 with serine.
Molecular consequence: missense variant.
Genome position (GRCh38, 1-based): chr7:76,302,806, G>T. VCF-style: chr7-76302806-G-T. GRCh37 (hg19) VCF-style: chr7-75932123-G-T.
Other names: short protein forms A32S.
Identifiers: ClinVar variation 2759796 (VCV002759796.3), dbSNP rs769349092, ClinGen allele CA367762893.

ClinVar aggregate classification (germline): Uncertain significance (1 of 4 stars; one submission).

Conditions:
Charcot-Marie-Tooth disease axonal type 2F (CMT2F). Also called: Charcot-Marie-Tooth Neuropathy Type 2F; CHARCOT-MARIE-TOOTH DISEASE, NEURONAL, TYPE 2F. Identifiers: Orphanet 99940, MedGen C1847823, MONDO:0011687, OMIM 606595.

gnomAD v4.1: 1 of 1,608,368 alleles (0.000062%); highest among the groups gnomAD compares: Non-Finnish European, 0.000085%; no homozygotes.

Submission:

Labcorp Genetics (formerly Invitae), Labcorp
Classification: Uncertain significance for Charcot-Marie-Tooth disease axonal type 2F. Last evaluated: 2024-02-23. Review status: criteria provided, single submitter. Criteria: Invitae Variant Classification Sherloc (09022015). Collection method: clinical testing. Allele origin: germline.
Comment: This sequence change replaces alanine, which is neutral and non-polar, with serine, which is neutral and polar, at codon 32 of the HSPB1 protein (p.Ala32Ser). This variant is not present in population databases (gnomAD no frequency). This variant has not been reported in the literature in individuals affected with HSPB1-related conditions. Algorithms developed to predict the effect of missense changes on protein structure and function output the following: SIFT: "Not Available"; PolyPhen-2: "Benign"; Align-GVGD: "Not Available". The serine amino acid residue is found in multiple mammalian species, which suggests that this missense change does not adversely affect protein function. In summary, the available evidence is currently insufficient to determine the role of this variant in disease. Therefore, it has been classified as a Variant of Uncertain Significance.